The following is an entry in ClinVar:

NM_001457.4(FLNB):c.1081G>A (p.Gly361Ser)

Gene: FLNB (filamin B; plus strand). Cytogenetic location: 3p14.3.
Variant type: single nucleotide variant.
Coding change: c.1081G>A on transcript NM_001457.4 (MANE Select); coding-DNA position 1081, G replaced by A.
Protein change: p.Gly361Ser; replaces glycine 361 with serine.
Molecular consequence: missense variant.
Genome position (GRCh38, 1-based): chr3:58,097,911, G>A. VCF-style: chr3-58097911-G-A. GRCh37 (hg19) VCF-style: chr3-58083638-G-A.
Other names: c.1081G>A, p.Gly361Ser (NM_001164317.2, NM_001164318.2, NM_001164319.2); short protein forms G361S.
Identifiers: ClinVar variation 21278 (VCV000021278.4), dbSNP rs80356509, ClinGen allele CA341836.

ClinVar aggregate classification (germline): Pathogenic. Review status: criteria provided, single submitter (1 of 4 stars). 2 submissions from 2 submitters: Pathogenic (1). 1 of the submissions does not count toward it. Last evaluated 2025-07-03.

Conditions:
Larsen syndrome (LRS). Also called: Bilateral dislocation of the knees, pes cavus, cylindrically shaped fingers and characteristic facies; Larsen syndrome (FLNB-LS). Identifiers: Orphanet 503, MedGen C0175778, MONDO:0007875, OMIM 150250. Disease mechanism: loss of function.

Submissions (2):

Labcorp Genetics (formerly Invitae), Labcorp
Classification: Pathogenic. Last evaluated: 2025-07-03. Review status: criteria provided, single submitter. Criteria: Invitae Variant Classification Sherloc (09022015). Collection method: clinical testing. Allele origin: germline.
Comment: This sequence change replaces glycine, which is neutral and non-polar, with serine, which is neutral and polar, at codon 361 of the FLNB protein (p.Gly361Ser). This variant is not present in population databases (gnomAD no frequency). This missense change has been observed in individual(s) with Larsen syndrome (PMID: 16801345). In at least one individual the variant was observed to be de novo. ClinVar contains an entry for this variant (Variation ID: 21278). Invitae Evidence Modeling of protein sequence and biophysical properties (such as structural, functional, and spatial information, amino acid conservation, physicochemical variation, residue mobility, and thermodynamic stability) has been performed for this missense variant. However, the output from this modeling did not meet the statistical confidence thresholds required to predict the impact of this variant on FLNB protein function. This variant disrupts the p.Gly361 amino acid residue in FLNB. Other variant(s) that disrupt this residue have been observed in individuals with FLNB-related conditions (PMID: 22190451; internal data), which suggests that this may be a clinically significant amino acid residue. For these reasons, this variant has been classified as Pathogenic.

GeneReviews
No classification provided. Condition: Larsen syndrome. Review status: no classification provided. Collection method: literature only. Allele origin: unknown. Not counted in ClinVar's aggregate classification.

Literature cited by the submitters: PubMed 16801345 (cited by Labcorp Genetics (formerly Invitae), Labcorp); PubMed 22190451 (cited by Labcorp Genetics (formerly Invitae), Labcorp); PubMed 20301736 (cited by GeneReviews); NCBI Bookshelf NBK2534 (cited by GeneReviews).